The following is an entry in ClinVar:

ClinVar aggregate classification (germline): Pathogenic (1 of 4 stars; one submission).

Conditions:
Tuberous sclerosis 1 (TSC1). Identifiers: Orphanet 805, MedGen C1854465, MONDO:0008612, OMIM 191100.

Submission:

Labcorp Genetics (formerly Invitae), Labcorp
Classification: Pathogenic for Tuberous sclerosis 1. Last evaluated: 2021-08-15. Review status: criteria provided, single submitter. Criteria: Invitae Variant Classification Sherloc (09022015). Collection method: clinical testing. Allele origin: germline.
Comment: For these reasons, this variant has been classified as Pathogenic. This variant has not been reported in the literature in individuals affected with TSC1-related conditions. This variant is not present in population databases (ExAC no frequency). This sequence change creates a premature translational stop signal (p.Glu258Aspfs*61) in the TSC1 gene. It is expected to result in an absent or disrupted protein product. Loss-of-function variants in TSC1 are known to be pathogenic (PMID: 10227394, 17304050).

Literature cited by the submitters: PubMed 10227394; PubMed 17304050.

NM_000368.5(TSC1):c.773_774insTA (p.Glu258fs)

Gene: TSC1 (TSC complex subunit 1; minus strand). Cytogenetic location: 9q34.13.
Variant type: Insertion.
Coding change: c.773_774insTA on transcript NM_000368.5 (MANE Select); coding-DNA positions 773 to 774, TA inserted.
Protein change: p.Glu258fs; shifts the reading frame from glutamic acid 258.
Molecular consequence: frameshift variant.
Genome position: GRCh38 VCF-style: chr9-132912421-C-CTA. GRCh37 (hg19) VCF-style: chr9-135787808-C-CTA.
Other names: c.773_774insTA, p.Glu258fs (NM_001162426.2); c.620_621insTA, p.Glu207fs (NM_001162427.2); c.410_411insTA, p.Glu137fs (NM_001362177.2); short protein forms E137fs, E207fs, E258fs.
Identifiers: ClinVar variation 1429611 (VCV001429611.6), dbSNP rs2132004661, ClinGen allele CA2573144276.